The following is an entry in ClinVar:

ClinVar aggregate classification (germline): Likely benign. Review status: criteria provided, multiple submitters, no conflicts (2 of 4 stars). 2 submissions from 2 submitters: Likely benign (2). Last evaluated 2026-02-01.

Allele frequency attached by ClinVar (database versions not stated): ExAC 0.00002; gnomAD exomes 0.00003; TOPMed 0.00005; gnomAD 0.00009.
gnomAD v4.1: 57 of 1,613,800 alleles (0.0035%); highest among the groups gnomAD compares: Non-Finnish European, 0.0048%; no homozygotes.

Submissions (2):

CeGaT Center for Human Genetics Tuebingen
Classification: Likely benign. Last evaluated: 2026-02-01. Review status: criteria provided, single submitter. Criteria: CeGaT Center For Human Genetics Tuebingen Variant Classification Criteria Version 2. Collection method: clinical testing. Allele origin: germline. Affected: yes. Observed: 2 variant alleles.
Comment: MAST1: BP4, BP7

Labcorp Genetics (formerly Invitae), Labcorp
Classification: Likely benign. Last evaluated: 2024-02-20. Review status: criteria provided, single submitter. Criteria: Invitae Variant Classification Sherloc (09022015). Collection method: clinical testing. Allele origin: germline.

NM_014975.3(MAST1):c.453C>T (p.Arg151=)

Gene: MAST1 (microtubule associated serine/threonine kinase 1; plus strand). Cytogenetic location: 19p13.13.
Variant type: single nucleotide variant.
Coding change: c.453C>T on transcript NM_014975.3 (MANE Select); coding-DNA position 453, C replaced by T.
Protein change: p.Arg151=; no amino-acid change (arginine 151 retained).
Molecular consequence: synonymous variant.
Genome position (GRCh38, 1-based): chr19:12,847,415, C>T. VCF-style: chr19-12847415-C-T. GRCh37 (hg19) VCF-style: chr19-12958229-C-T.
Identifiers: ClinVar variation 3239253 (VCV003239253.21), dbSNP rs762453111.